The following is an entry in ClinVar:

ClinVar aggregate classification (germline): Uncertain significance (1 of 4 stars; one submission).

Conditions:
Neuropathy, hereditary sensory, type 2C. Also called: KIF1A-Related HSAN2 (HSAN2C); Hereditary sensory and autonomic neuropathy type IIC. Identifiers: Orphanet 970, MedGen C3280168, MONDO:0013634, OMIM 614213.
Hereditary spastic paraplegia 30. Identifiers: Orphanet 101010, MedGen C5235139, MONDO:0012476.
Intellectual disability, autosomal dominant 9 (NESCAVS). Also called: NESCAV SYNDROME; KIF1A-Related Neurodevelopmental Disorder. Identifiers: Orphanet 662367, MedGen C5393830, MONDO:0013656, OMIM 614255.

Submission:

Labcorp Genetics (formerly Invitae), Labcorp
Classification: Uncertain significance for Hereditary spastic paraplegia 30; Neuropathy, hereditary sensory, type 2C; Intellectual disability, autosomal dominant 9. Last evaluated: 2023-09-27. Review status: criteria provided, single submitter. Criteria: Invitae Variant Classification Sherloc (09022015). Collection method: clinical testing. Allele origin: germline.
Comment: This sequence change replaces isoleucine, which is neutral and non-polar, with valine, which is neutral and non-polar, at codon 434 of the KIF1A protein (p.Ile434Val). This variant is not present in population databases (gnomAD no frequency). This variant has not been reported in the literature in individuals affected with KIF1A-related conditions. Advanced modeling of protein sequence and biophysical properties (such as structural, functional, and spatial information, amino acid conservation, physicochemical variation, residue mobility, and thermodynamic stability) performed at Invitae indicates that this missense variant is expected to disrupt KIF1A protein function. In summary, the available evidence is currently insufficient to determine the role of this variant in disease. Therefore, it has been classified as a Variant of Uncertain Significance.

NM_001244008.2(KIF1A):c.1327A>G (p.Ile443Val)

Gene: KIF1A (kinesin family member 1A; minus strand). Cytogenetic location: 2q37.3.
Variant type: single nucleotide variant.
Coding change: c.1327A>G on transcript NM_001244008.2 (MANE Select); coding-DNA position 1327, A replaced by G.
Protein change: p.Ile443Val; replaces isoleucine 443 with valine.
Molecular consequence: missense variant.
Genome position (GRCh38, 1-based): chr2:240,770,985, T>C on the plus strand (A>G on the coding strand, the complement: KIF1A is on the minus strand). VCF-style: chr2-240770985-T-C. GRCh37 (hg19) VCF-style: chr2-241710402-T-C.
Other names: c.1327A>G, p.Ile443Val (NM_001320705.2, NM_001330289.2, NM_001379638.1); c.1402A>G, p.Ile468Val (NM_001330290.2, NM_001379631.1, NM_001379634.1 and 2 more transcripts); c.1300A>G, p.Ile434Val (NM_001379632.1, NM_001379633.1, NM_001379636.1 and 11 more transcripts); c.1375A>G, p.Ile459Val (NM_001379637.1, NM_001379648.1); short protein forms I459V, I434V, I443V, I468V.
Identifiers: ClinVar variation 2948866 (VCV002948866.3), dbSNP rs2537864317, ClinGen allele CA351330426.
Genomic context (GRCh38, chr2:240,770,985, plus strand): 5'-CCACTCCCAGAGTCTGACACCCTGAAGCCCCAGGTGGTGCCCTCACCTTCAGTCTTTCAA[T>C]GGCCTCCTCGCTGCCCGGGGCAAACAAGATGCGCTCGTGGAGGCTGGACACGGAGGCCGC-3'
Protein context (NP_001230937.1, residues 433-453): ILFAPGSEEA[Ile443Val]ERLKETEKII